The following is an entry in ClinVar:

NM_004312.3(ARR3):c.649A>G (p.Ile217Val)

Gene: ARR3 (arrestin 3; plus strand). Cytogenetic location: Xq13.1.
Variant type: single nucleotide variant.
Coding change: c.649A>G on transcript NM_004312.3 (MANE Select); coding-DNA position 649, A replaced by G.
Protein change: p.Ile217Val; replaces isoleucine 217 with valine.
Molecular consequence: missense variant.
Genome position (GRCh38, 1-based): chrX:70,277,755, A>G. VCF-style: chrX-70277755-A-G. GRCh37 (hg19) VCF-style: chrX-69497605-A-G.
Other names: short protein forms I217V.
Identifiers: ClinVar variation 2660808 (VCV002660808.25), dbSNP rs138489730, ClinGen allele CA10440436.

ClinVar aggregate classification (germline): Likely benign. Review status: criteria provided, multiple submitters, no conflicts (2 of 4 stars). 2 submissions from 2 submitters: Likely benign (2). Last evaluated 2024-11-05.

Allele frequency attached by ClinVar (database versions not stated): gnomAD exomes 0.00027; ESP Exome Variant Server 0.00028; TOPMed 0.00028; gnomAD 0.00037; ExAC 0.00052.
gnomAD v4.1: 350 of 1,208,709 alleles (0.029%); highest among the groups gnomAD compares: Non-Finnish European, 0.026%; no homozygotes.

Submissions (2):

Blueprint Genetics
Classification: Likely benign. Last evaluated: 2024-11-05. Review status: criteria provided, single submitter. Criteria: ACMG Guidelines, 2015. Collection method: clinical testing. Allele origin: germline.

CeGaT Center for Human Genetics Tuebingen
Classification: Likely benign. Last evaluated: 2022-11-01. Review status: criteria provided, single submitter. Criteria: CeGaT Center For Human Genetics Tuebingen Variant Classification Criteria Version 2. Collection method: clinical testing. Allele origin: germline. Affected: yes. Observed: 1 variant allele.
Comment: ARR3: BS2